The following is an entry in ClinVar:

ClinVar aggregate classification (germline): Uncertain significance. Review status: criteria provided, multiple submitters, no conflicts (2 of 4 stars). 2 submissions from 2 submitters: Uncertain significance (2). Last evaluated 2025-07-25.

Conditions:
Cardiovascular phenotype. Identifiers: MedGen CN230736.
Hereditary cancer-predisposing syndrome. Also called: Neoplastic Syndromes, Hereditary; Tumor predisposition; Hereditary neoplastic syndrome; Hereditary Cancer Syndrome. Identifiers: Orphanet 140162, MedGen C0027672, MeSH D009386, MONDO:0015356.
Neurofibromatosis, type 1 (NF1). Also called: VON RECKLINGHAUSEN DISEASE; NEUROFIBROMATOSIS, TYPE I, SOMATIC; Peripheral type neurofibromatosis; Neurofibromatosis, type I. Identifiers: Orphanet 636, MedGen C0027831, MONDO:0018975, OMIM 162200. Disease mechanism: loss of function.

Submissions (2):

Ambry Genetics
Classification: Uncertain significance for Cardiovascular phenotype; Hereditary cancer-predisposing syndrome. Last evaluated: 2025-07-25. Review status: criteria provided, single submitter. Criteria: Ambry Variant Classification Scheme 2023. Collection method: clinical testing. Allele origin: germline.
Comment: The c.624_632delGCAGTTAGC variant (also known as p.Q209_A211del) is located in coding exon 6 of the NF1 gene. This variant results from an in-frame GCAGTTAGC deletion at nucleotide positions 624 to 632. This results in the in-frame deletion of three amino acids at codons 209 to 211. This amino acid region is highly conserved in available vertebrate species. In addition, this variant is predicted to be deleterious by in silico analysis (Choi Y et al. PLoS ONE. 2012; 7(10):e46688). Based on the available evidence, the clinical significance of this variant remains unclear.

Labcorp Genetics (formerly Invitae), Labcorp
Classification: Uncertain significance for Neurofibromatosis, type 1. Last evaluated: 2017-11-15. Review status: criteria provided, single submitter. Criteria: Invitae Variant Classification Sherloc (09022015). Collection method: clinical testing. Allele origin: germline.
Comment: This variant, c.624_632delGCAGTTAGC, results in the deletion of 3 amino acids of the NF1 protein (p.Gln209_Ala211del), but otherwise preserves the integrity of the reading frame. This variant is not present in population databases (ExAC no frequency). This variant has not been reported in the literature in individuals with NF1-related disease. Experimental studies and prediction algorithms are not available for this variant, and the functional significance of the deleted amino acids is currently unknown. In summary, the available evidence is currently insufficient to determine the role of this variant in disease. Therefore, it has been classified as a Variant of Uncertain Significance.

NM_001042492.3(NF1):c.624_632del (p.Gln209_Ala211del)

Gene: NF1 (neurofibromin 1; plus strand). Cytogenetic location: 17q11.2.
Variant type: Deletion.
Coding change: c.624_632del on transcript NM_001042492.3 (MANE Select); coding-DNA positions 624 to 632, 9 bases deleted (GCAGTTAGC; older notation c.624_632delGCAGTTAGC).
Protein change: p.Gln209_Ala211del.
Molecular consequence: inframe deletion. On other transcripts: inframe indel (1).
Genome position (GRCh38, 1-based): chr17:31,181,459-31,181,467, GCAGTTAGC deleted; deleting any 9 consecutive bases within chr17:31,181,457-31,181,467 gives the same sequence; the c. name uses the placement nearest the transcript's 3' end. VCF-style (leftmost placement, unchanged base first): chr17-31181456-TGCGCAGTTA-T. GRCh37 (hg19) VCF-style: chr17-29508474-TGCGCAGTTA-T.
Other names: c.624_632delGCAGTTAGC (NM_000267.3); c.624_632delGCAGTTAGC, p.Gln209_Ala211del (NM_000267.4); c.624_632del, p.Gln209_Ala211del (NM_001128147.3).
Identifiers: ClinVar variation 527497 (VCV000527497.6), dbSNP rs1555608666, ClinGen allele CA658798744.